The following is an entry in ClinVar:

NM_001854.4(COL11A1):c.1068G>A (p.Glu356=)

Gene: COL11A1 (collagen type XI alpha 1 chain; minus strand). Cytogenetic location: 1p21.1.
Variant type: single nucleotide variant.
Coding change: c.1068G>A on transcript NM_001854.4 (MANE Select); coding-DNA position 1068, G replaced by A.
Protein change: p.Glu356=; no amino-acid change (glutamic acid 356 retained).
Molecular consequence: synonymous variant. On other transcripts: non-coding transcript variant (1), intron variant (1).
Genome position (GRCh38, 1-based): chr1:103,022,919, C>T on the plus strand (G>A on the coding strand, the complement: COL11A1 is on the minus strand). VCF-style: chr1-103022919-C-T. GRCh37 (hg19) VCF-style: chr1-103488475-C-T.
Other names: c.951G>A, p.Glu317= (NM_001190709.2); c.1104G>A, p.Glu368= (NM_080629.3); c.898-1150G>A (NM_080630.4); c.1068G>A (NM_001854.3).
Identifiers: ClinVar variation 2096341 (VCV002096341.5), dbSNP rs2101946145, ClinGen allele CA419318578.
Genomic context (GRCh38, chr1:103,022,919, plus strand): 5'-TCCATCTACCAGAAGATCAGAATCCCTGCCGTCTATTTCTTTGTTTTCATATAGTGTATC[C>T]TCAGAATTTTTCCTCTGGGAATCATAATCCTCTCCCGTTAGATATTCTTCAGTAAATATT-3'
Protein context (NP_001845.3, residues 346-366): EDYDSQRKNS[Glu356=]DTLYENKEID

ClinVar aggregate classification (germline): Conflicting classifications of pathogenicity. Review status: criteria provided, conflicting classifications (1 of 4 stars). 2 submissions from 2 submitters: Uncertain significance (1); Likely benign (1). Last evaluated 2025-07-10.

Submissions (2):

GeneDx
Classification: Uncertain significance. Last evaluated: 2025-07-10. Review status: criteria provided, single submitter. Criteria: GeneDx Variant Classification Process June 2021. Collection method: clinical testing. Allele origin: germline. Affected: yes.
Comment: Not observed at significant frequency in large population cohorts (gnomAD); In silico analysis suggests that this variant does not alter splicing; Has not been previously published as pathogenic or benign to our knowledge

Labcorp Genetics (formerly Invitae), Labcorp
Classification: Likely benign. Last evaluated: 2022-10-13. Review status: criteria provided, single submitter. Criteria: Invitae Variant Classification Sherloc (09022015). Collection method: clinical testing. Allele origin: germline.